The following is an entry in ClinVar:

ClinVar aggregate classification (germline): Benign (1 of 4 stars; one submission).

Conditions:
Familial adenomatous polyposis 1 (FAP1). Also called: POLYPOSIS, ADENOMATOUS INTESTINAL; FAMILIAL ADENOMATOUS POLYPOSIS 1, ATTENUATED. Identifiers: MedGen C2713442, MONDO:0021056, OMIM 175100. Disease mechanism: loss of function.

Submission:

Myriad Genetics, Inc.
Classification: Benign for Familial adenomatous polyposis 1. Last evaluated: 2024-04-15. Review status: criteria provided, single submitter. Criteria: Myriad Autosomal Dominant, Autosomal Recessive and X-Linked Classification Criteria (2023). Collection method: clinical testing. Allele origin: unknown.
Comment: This variant is considered benign. This variant is a silent/synonymous amino acid change and it is not expected to impact splicing.

NM_000038.6(APC):c.8241T>C (p.Pro2747=)

Gene: APC (APC regulator of Wnt signaling pathway; plus strand). Cytogenetic location: 5q22.2.
Variant type: single nucleotide variant.
Coding change: c.8241T>C on transcript NM_000038.6 (MANE Select); coding-DNA position 8241, T replaced by C.
Protein change: p.Pro2747=; no amino-acid change (proline 2747 retained).
Molecular consequence: synonymous variant. On other transcripts: non-coding transcript variant (2).
Genome position (GRCh38, 1-based): chr5:112,843,835, T>C. VCF-style: chr5-112843835-T-C. GRCh37 (hg19) VCF-style: chr5-112179532-T-C.
Other names: c.8241T>C, p.Pro2747= (NM_001127510.3, NM_001354895.2, NM_001407450.1); c.8187T>C, p.Pro2729= (NM_001127511.3); c.8295T>C, p.Pro2765= (NM_001354896.2, NM_001407447.1, NM_001407448.1 and 1 more transcripts); c.8271T>C, p.Pro2757= (NM_001354897.2); c.8166T>C, p.Pro2722= (NM_001354898.2); c.8157T>C, p.Pro2719= (NM_001354899.2); c.8118T>C, p.Pro2706= (NM_001354900.2); c.8064T>C, p.Pro2688= (NM_001354901.2, NM_001407453.1); and 11 more.
Identifiers: ClinVar variation 3253816 (VCV003253816.1), dbSNP rs1060504875.